The following is an entry in ClinVar:

NM_000051.4(ATM):c.3070G>T (p.Ala1024Ser)

Gene: ATM (ATM serine/threonine kinase; plus strand). Cytogenetic location: 11q22.3.
Variant type: single nucleotide variant.
Coding change: c.3070G>T on transcript NM_000051.4 (MANE Select); coding-DNA position 3070, G replaced by T.
Protein change: p.Ala1024Ser; replaces alanine 1024 with serine.
Molecular consequence: missense variant.
Genome position (GRCh38, 1-based): chr11:108,271,399, G>T. VCF-style: chr11-108271399-G-T. GRCh37 (hg19) VCF-style: chr11-108142126-G-T.
Other names: c.3070G>T, p.Ala1024Ser (NM_001351834.2); short protein forms A1024S.
Identifiers: ClinVar variation 2128185 (VCV002128185.4), dbSNP rs1397754737, ClinGen allele CA382547682.

ClinVar aggregate classification (germline): Uncertain significance (1 of 4 stars; one submission).

Conditions:
Ataxia-telangiectasia syndrome (AT). Also called: Cerebello-oculocutaneous telangiectasia; Immunodeficiency with ataxia telangiectasia; Ataxia-telangiectasia, complementation group D; Ataxia telangiectasia (A-T); ATAXIA-TELANGIECTASIA, COMPLEMENTATION GROUP A; ATAXIA-TELANGIECTASIA, FRESNO VARIANT. Identifiers: Orphanet 100, MedGen C0004135, MONDO:0008840, OMIM 208900.

Submission:

Labcorp Genetics (formerly Invitae), Labcorp
Classification: Uncertain significance for Ataxia-telangiectasia syndrome. Last evaluated: 2022-04-19. Review status: criteria provided, single submitter. Criteria: Invitae Variant Classification Sherloc (09022015). Collection method: clinical testing. Allele origin: germline.
Comment: In summary, the available evidence is currently insufficient to determine the role of this variant in disease. Therefore, it has been classified as a Variant of Uncertain Significance. Advanced modeling of protein sequence and biophysical properties (such as structural, functional, and spatial information, amino acid conservation, physicochemical variation, residue mobility, and thermodynamic stability) performed at Invitae indicates that this missense variant is not expected to disrupt ATM protein function. This variant has not been reported in the literature in individuals affected with ATM-related conditions. This variant is not present in population databases (gnomAD no frequency). This sequence change replaces alanine, which is neutral and non-polar, with serine, which is neutral and polar, at codon 1024 of the ATM protein (p.Ala1024Ser).